The following is an entry in ClinVar:

ClinVar aggregate classification (germline): Likely benign. Review status: criteria provided, multiple submitters, no conflicts (2 of 4 stars). 3 submissions from 3 submitters: Likely benign (3). Last evaluated 2025-08-04.

Conditions:
Christianson syndrome (MRXSCH). Also called: X-linked mental retardation, syndromic, Christianson type; SLC9A6-Related Syndromic Mental Retardation; INTELLECTUAL DEVELOPMENTAL DISORDER, X-LINKED, SYNDROMIC, CHRISTIANSON TYPE. Identifiers: Orphanet 85278, MedGen C2678194, MONDO:0010278, OMIM 300243.

Allele frequency attached by ClinVar (database versions not stated): gnomAD exomes 0.00001 and 0.00002.
gnomAD v4.1: 22 of 1,196,974 alleles (0.0018%); highest among the groups gnomAD compares: Non-Finnish European, 0.0024%; no homozygotes.

Submissions (3):

Labcorp Genetics (formerly Invitae), Labcorp
Classification: Likely benign for Christianson syndrome. Last evaluated: 2025-08-04. Review status: criteria provided, single submitter. Criteria: Invitae Variant Classification Sherloc (09022015). Collection method: clinical testing. Allele origin: germline.

Blueprint Genetics
Classification: Likely benign. Last evaluated: 2023-11-28. Review status: criteria provided, single submitter. Criteria: ACMG Guidelines, 2015. Collection method: clinical testing. Allele origin: germline.

GeneDx
Classification: Likely benign. Last evaluated: 2016-08-11. Review status: criteria provided, single submitter. Criteria: GeneDx Variant Classification (06012015). Collection method: clinical testing. Allele origin: germline. Affected: yes.
Comment: This variant is considered likely benign or benign based on one or more of the following criteria: it is a conservative change, it occurs at a poorly conserved position in the protein, it is predicted to be benign by multiple in silico algorithms, and/or has population frequency not consistent with disease.

NM_001379110.1(SLC9A6):c.1143G>A (p.Leu381=)

Gene: SLC9A6 (solute carrier family 9 member A6; plus strand). Cytogenetic location: Xq26.3.
Variant type: single nucleotide variant.
Coding change: c.1143G>A on transcript NM_001379110.1 (MANE Select); coding-DNA position 1143, G replaced by A.
Protein change: p.Leu381=; no amino-acid change (leucine 381 retained).
Molecular consequence: synonymous variant.
Genome position (GRCh38, 1-based): chrX:136,016,707, G>A. VCF-style: chrX-136016707-G-A. GRCh37 (hg19) VCF-style: chrX-135098866-G-A.
Other names: c.1299G>A, p.Leu433= (NM_001042537.2); c.1143G>A, p.Leu381= (NM_001177651.2); c.1047G>A, p.Leu349= (NM_001330652.2); c.1203G>A, p.Leu401= (NM_006359.3).
Identifiers: ClinVar variation 388591 (VCV000388591.11), dbSNP rs782501407, ClinGen allele CA16608700.